The following is an entry in ClinVar:

ClinVar aggregate classification (germline): Uncertain significance (1 of 4 stars; one submission).

Conditions:
Cardiovascular phenotype. Identifiers: MedGen CN230736.

gnomAD v4.1: 3 of 1,556,288 alleles (0.00019%); highest among the groups gnomAD compares: Non-Finnish European, 0.00027%; no homozygotes.

Submission:

Ambry Genetics
Classification: Uncertain significance for Cardiovascular phenotype. Last evaluated: 2025-12-21. Review status: criteria provided, single submitter. Criteria: Ambry Variant Classification Scheme 2023. Collection method: clinical testing. Allele origin: germline.
Comment: The p.R677K variant (also known as c.2030G>A), located in coding exon 25 of the CACNA2D1 gene, results from a G to A substitution at nucleotide position 2030. The arginine at codon 677 is replaced by lysine, an amino acid with highly similar properties. This amino acid position is conserved. In addition, this alteration is predicted to be tolerated by in silico analysis. Based on the available evidence, the clinical significance of this variant remains unclear.

NM_000722.4(CACNA2D1):c.2030G>A (p.Arg677Lys)

Gene: CACNA2D1 (calcium voltage-gated channel auxiliary subunit alpha2delta 1; minus strand). Cytogenetic location: 7q21.11.
Variant type: single nucleotide variant.
Coding change: c.2030G>A on transcript NM_000722.4 (MANE Select); coding-DNA position 2030, G replaced by A.
Protein change: p.Arg677Lys; replaces arginine 677 with lysine.
Molecular consequence: missense variant.
Genome position (GRCh38, 1-based): chr7:81,974,478, C>T on the plus strand (G>A on the coding strand, the complement: CACNA2D1 is on the minus strand). VCF-style: chr7-81974478-C-T. GRCh37 (hg19) VCF-style: chr7-81603794-C-T.
Other names: c.2066G>A, p.Arg689Lys (NM_001366867.1); short protein forms R677K, R689K.
Identifiers: ClinVar variation 4842673 (VCV004842673.1).